The following is an entry in ClinVar:

ClinVar aggregate classification (germline): Uncertain significance (1 of 4 stars; one submission).

Conditions:
Developmental and epileptic encephalopathy, 67. Also called: EPILEPTIC ENCEPHALOPATHY, EARLY INFANTILE, 67. Identifiers: MedGen C4748341, MONDO:0029138, OMIM 618141.

Submission:

Genomic Medicine Center of Excellence, King Faisal Specialist Hospital and Research Centre
Classification: Uncertain significance for Developmental and epileptic encephalopathy, 67. Last evaluated: 2024-10-13. Review status: criteria provided, single submitter. Criteria: ACMG Guidelines, 2015. Collection method: clinical testing. Allele origin: germline.
Comment: This variant (GRCh38; NM_015267.4:c.4331C>A:p.Ala1444Asp) results in a missense mutation with the conversion of Alanine (Nonpolar amino acid) to Aspartic acid (Acidic amino acid) in the CUX2 protein. Not observed at significant frequency in large population cohorts (gnomAD). Multiple lines of computational evidence suggest no impact on gene or gene product. A literature search was performed for the gene and associated variants. Based on this search no publications were found. Based on conflicting evidence or insufficient data to determine whether the variant is benign or pathogenic, the clinical significance of this alteration remains unclear. In summary, this variant meets our criteria for classification as of Unknown Clinical Significance based on the evidence outlined.

NM_015267.4(CUX2):c.4331C>A (p.Ala1444Asp)

Gene: CUX2 (cut like homeobox 2; plus strand). Cytogenetic location: 12q24.12.
Variant type: single nucleotide variant.
Coding change: c.4331C>A on transcript NM_015267.4 (MANE Select); coding-DNA position 4331, C replaced by A.
Protein change: p.Ala1444Asp; replaces alanine 1444 with aspartic acid.
Molecular consequence: missense variant.
Genome position (GRCh38, 1-based): chr12:111,348,195, C>A. VCF-style: chr12-111348195-C-A. GRCh37 (hg19) VCF-style: chr12-111785999-C-A.
Other names: c.4145C>A, p.Ala1382Asp (NM_001370598.1); short protein forms A1382D, A1444D.
Identifiers: ClinVar variation 3363142 (VCV003363142.1).